The following is an entry in ClinVar:

ClinVar aggregate classification (germline): Likely pathogenic (1 of 4 stars; one submission).

Conditions:
Fliedner-Zweier syndrome (FZS). Identifiers: MedGen C5882693, MONDO:0957787, OMIM 620511.

Submission:

Juno Genomics, Hangzhou Juno Genomics, Inc
Classification: Likely pathogenic for Fliedner-Zweier syndrome. Review status: criteria provided, single submitter. Criteria: ACMG Guidelines, 2015. Collection method: clinical testing. Allele origin: germline. Affected: yes.
Comment: Absent from controls (or at extremely low frequency if recessive) in Genome Aggregation Database.;Null variant in a gene where loss of function (LOF) is a known mechanism of disease.

NM_020706.2(SCAF4):c.697C>T (p.Gln233Ter)

Gene: SCAF4 (SR-related CTD associated factor 4; minus strand). Cytogenetic location: 21q22.11.
Variant type: single nucleotide variant.
Coding change: c.697C>T on transcript NM_020706.2 (MANE Select); coding-DNA position 697, C replaced by T.
Protein change: p.Gln233Ter; replaces glutamine 233 with a stop codon.
Molecular consequence: nonsense.
Genome position (GRCh38, 1-based): chr21:31,701,075, G>A on the plus strand (C>T on the coding strand, the complement: SCAF4 is on the minus strand). VCF-style: chr21-31701075-G-A. GRCh37 (hg19) VCF-style: chr21-33073388-G-A.
Other names: c.652C>T, p.Gln218Ter (NM_001145444.1); c.697C>T, p.Gln233Ter (NM_001145445.1); short protein forms Q218*, Q233*.
Identifiers: ClinVar variation 5019986 (VCV005019986.1).